The following is an entry in ClinVar:

ClinVar aggregate classification (germline): Uncertain significance (1 of 4 stars; one submission).

Submission:

GeneDx
Classification: Uncertain significance. Last evaluated: 2024-03-27. Review status: criteria provided, single submitter. Criteria: GeneDx Variant Classification Process June 2021. Collection method: clinical testing. Allele origin: germline. Affected: yes.
Comment: Has not been previously published as pathogenic or benign to our knowledge; Not observed at significant frequency in large population cohorts (gnomAD); In silico analysis supports that this missense variant has a deleterious effect on protein structure/function

NM_017617.5(NOTCH1):c.1033T>A (p.Phe345Ile)

Gene: NOTCH1 (notch receptor 1; minus strand). Cytogenetic location: 9q34.3.
Variant type: single nucleotide variant.
Coding change: c.1033T>A on transcript NM_017617.5 (MANE Select); coding-DNA position 1033, T replaced by A.
Protein change: p.Phe345Ile; replaces phenylalanine 345 with isoleucine.
Molecular consequence: missense variant.
Genome position (GRCh38, 1-based): chr9:136,518,657, A>T on the plus strand (T>A on the coding strand, the complement: NOTCH1 is on the minus strand). VCF-style: chr9-136518657-A-T. GRCh37 (hg19) VCF-style: chr9-139413109-A-T.
Other names: short protein forms F345I.
Identifiers: ClinVar variation 3371542 (VCV003371542.1).
Genomic context (GRCh38, chr9:136,518,657, plus strand): 5'-GGCCATGGGGACACTCGCAGTAGAAGGAGGCCACACGGTCATGGCAGGTGGCGCCGTGGA[A>T]GCAGGCGGCGCTGGCACAGTCATCAATGTTCTCGCTGCAGTCCTCACCAGTCCAGCCGTT-3'
Protein context (NP_060087.3, residues 335-355): NIDDCASAAC[Phe345Ile]HGATCHDRVA